The following is an entry in ClinVar:

ClinVar aggregate classification (germline): Uncertain significance (1 of 4 stars; one submission).

Conditions:
Inborn genetic diseases. Identifiers: MedGen C0950123, MeSH D030342.

Submission:

Ambry Genetics
Classification: Uncertain significance for Inborn genetic diseases. Last evaluated: 2023-09-15. Review status: criteria provided, single submitter. Criteria: Ambry Variant Classification Scheme 2023. Collection method: clinical testing. Allele origin: germline.
Comment: The p.C420W variant (also known as c.1260T>G), located in coding exon 7 of the PIK3CA gene, results from a T to G substitution at nucleotide position 1260. The cysteine at codon 420 is replaced by tryptophan, an amino acid with highly dissimilar properties. This amino acid position is conserved. In addition, this alteration is predicted to be deleterious by in silico analysis. Since supporting evidence is limited at this time, the clinical significance of this alteration remains unclear.

NM_006218.4(PIK3CA):c.1260T>G (p.Cys420Trp)

Gene: PIK3CA (phosphatidylinositol-4,5-bisphosphate 3-kinase catalytic subunit alpha; plus strand). Cytogenetic location: 3q26.32.
Variant type: single nucleotide variant.
Coding change: c.1260T>G on transcript NM_006218.4 (MANE Select); coding-DNA position 1260, T replaced by G.
Protein change: p.Cys420Trp; replaces cysteine 420 with tryptophan.
Molecular consequence: missense variant.
Genome position (GRCh38, 1-based): chr3:179,210,194, T>G. VCF-style: chr3-179210194-T-G. GRCh37 (hg19) VCF-style: chr3-178927982-T-G.
Other names: short protein forms C420W.
Identifiers: ClinVar variation 3225328 (VCV003225328.1), dbSNP rs751920344, ClinGen allele CA355261554.